The following is an entry in ClinVar:

NM_015404.4(WHRN):c.838-1_843dup

Gene: WHRN (whirlin; minus strand). Cytogenetic location: 9q32.
Variant type: Duplication.
Coding change: c.838-1_843dup on transcript NM_015404.4 (MANE Select); the canonical splice acceptor site of the intron before coding-DNA position 838 through coding-DNA position 843, 7 bases duplicated (GGTGAAC; older notation c.838-1_843dupGGTGAAC).
Molecular consequence: splice acceptor variant.
Genome position (GRCh38, 1-based): chr9:114,466,387-114,466,393, GTTCACC duplicated on the plus strand (GGTGAAC on the coding strand, the reverse complement: WHRN is on the minus strand). VCF-style (leftmost placement, unchanged base first): chr9-114466386-G-GGTTCACC. GRCh37 (hg19) VCF-style: chr9-117228666-G-GGTTCACC.
Other names: c.838-1_843dup (NM_001173425.2); c.-312-1_-307dup (NM_001083885.3).
Identifiers: ClinVar variation 4904214 (VCV004904214.3).

ClinVar aggregate classification (germline): Likely pathogenic. Review status: criteria provided, multiple submitters, no conflicts (2 of 4 stars). 2 submissions from 2 submitters: Likely pathogenic (2). Last evaluated 2024-09-30.

Conditions:
Autosomal recessive nonsyndromic hearing loss 31. Also called: WHIRLER, MOUSE, HOMOLOG OF. Identifiers: Orphanet 90636, MedGen C1846839, MONDO:0011767, OMIM 607084.
Usher syndrome type 2D. Also called: USHER SYNDROME, TYPE IID. Identifiers: Orphanet 231178, Orphanet 886, MedGen C1568249, MONDO:0012662, OMIM 611383.
WHRN-related disorder. Also called: WHRN-related condition.

Submissions (2):

Blueprint Genetics
Classification: Likely pathogenic for WHRN-related disorders. Last evaluated: 2024-09-30. Review status: criteria provided, single submitter. Criteria: ACMG Guidelines, 2015. Collection method: clinical testing. Allele origin: germline. Affected: yes. Observed: 1 variant allele.

Juno Genomics, Hangzhou Juno Genomics, Inc
Classification: Likely pathogenic for Autosomal recessive nonsyndromic hearing loss 31; Usher syndrome type 2D. Review status: criteria provided, single submitter. Criteria: ACMG Guidelines, 2015. Collection method: clinical testing. Allele origin: germline.
Comment: Null variant in a gene where loss of function (LOF) is a known mechanism of disease.;Absent from controls (or at extremely low frequency if recessive) in Genome Aggregation Database.